The following is an entry in ClinVar:

ClinVar aggregate classification (germline): Pathogenic/Likely pathogenic. Review status: criteria provided, multiple submitters, no conflicts (2 of 4 stars). 7 submissions from 7 submitters: Pathogenic (2); Likely pathogenic (4). 1 of the submissions does not count toward it. Last evaluated 2024-09-24.

Conditions:
Autosomal recessive osteopetrosis 1. Also called: ALBERS-SCHONBERG DISEASE, AUTOSOMAL RECESSIVE; TCIRG1-Related Autosomal Recessive Osteopetrosis; TCIRG1-Related Osteopetrosis. Identifiers: Orphanet 667, MedGen C1850127, MONDO:0009815, OMIM 259700.
Osteopetrosis. Identifiers: Orphanet 2781, MedGen C0029454, MONDO:0017198, HP:0011002.
TCIRG1-related disorder. Also called: TCIRG1-related condition.

Submissions (7):

Natera, Inc.
Classification: Likely pathogenic for Infantile malignant osteopetrosis. Last evaluated: 2024-09-24. Review status: criteria provided, single submitter. Criteria: Natera Variant Classification Schema (03/2026). Collection method: clinical testing. Allele origin: germline.
Comment: The c.1118del variant in TCIRG1 is a frameshift variant predicted to shift the reading frame beginning at codon 373 and leads to a stop codon 30 codons downstream. This variant is expected to result in nonsense mediated decay, truncation, or a dysfunctional protein product. This variant is rare in the general population with a frequency below the threshold expected for the associated phenotype(s). Given the available evidence, this variant is classified as Likely Pathogenic.

Women's Health and Genetics/Laboratory Corporation of America, LabCorp
Classification: Pathogenic for Osteopetrosis. Last evaluated: 2024-06-14. Review status: criteria provided, single submitter. Criteria: LabCorp Variant Classification Summary - May 2015. Collection method: clinical testing. Allele origin: germline.
Comment: Variant summary: TCIRG1 c.1118delG (p.Gly373AlafsX30) results in a premature termination codon, predicted to cause a truncation of the encoded protein or absence of the protein due to nonsense mediated decay, which are commonly known mechanisms for disease. The variant was absent in 244650 control chromosomes. c.1118delG has been reported in the literature in individuals affected with Osteopetrosis (Pangrazio_2012). To our knowledge, no experimental evidence demonstrating an impact on protein function has been reported. The following publication have been ascertained in the context of this evaluation (PMID: 22231430). ClinVar contains an entry for this variant (Variation ID: 552720). Based on the evidence outlined above, the variant was classified as pathogenic.

Fulgent Genetics
Classification: Likely pathogenic for Autosomal recessive osteopetrosis 1. Last evaluated: 2024-01-18. Review status: criteria provided, single submitter. Criteria: ACMG Guidelines, 2015. Collection method: clinical testing. Allele origin: germline.

Baylor Genetics
Classification: Likely pathogenic for Autosomal recessive osteopetrosis 1. Last evaluated: 2024-01-08. Review status: criteria provided, single submitter. Criteria: ACMG Guidelines, 2015. Collection method: clinical testing. Allele origin: unknown.

Labcorp Genetics (formerly Invitae), Labcorp
Classification: Pathogenic. Last evaluated: 2023-05-31. Review status: criteria provided, single submitter. Criteria: Invitae Variant Classification Sherloc (09022015). Collection method: clinical testing. Allele origin: germline.
Comment: This sequence change creates a premature translational stop signal (p.Gly373Alafs*30) in the TCIRG1 gene. It is expected to result in an absent or disrupted protein product. Loss-of-function variants in TCIRG1 are known to be pathogenic (PMID: 10888887, 10942435, 11532986, 19448635). The frequency data for this variant in the population databases is considered unreliable, as metrics indicate poor data quality at this position in the gnomAD database. This premature translational stop signal has been observed in individual(s) with osteopetrosis (PMID: 22231430). ClinVar contains an entry for this variant (Variation ID: 552720). Algorithms developed to predict the effect of sequence changes on RNA splicing suggest that this variant may create or strengthen a splice site. For these reasons, this variant has been classified as Pathogenic.

Blueprint Genetics
Classification: Likely pathogenic for TCIRG1-related disorders. Last evaluated: 2020-01-20. Review status: criteria provided, single submitter. Criteria: ACMG Guidelines, 2015. Collection method: clinical testing. Allele origin: germline. Affected: yes. Observed: 1 variant allele.

Counsyl
Classification: Likely pathogenic for Autosomal recessive osteopetrosis 1. Last evaluated: 2017-07-05. Review status: no assertion criteria provided. Collection method: clinical testing. Allele origin: unknown. Not counted in ClinVar's aggregate classification.

Literature cited by the submitters: PubMed 22231430 (cited by 3 submitters); PubMed 10888887 (cited by Labcorp Genetics (formerly Invitae), Labcorp); PubMed 10942435 (cited by Labcorp Genetics (formerly Invitae), Labcorp); PubMed 11532986 (cited by Labcorp Genetics (formerly Invitae), Labcorp); PubMed 19448635 (cited by Labcorp Genetics (formerly Invitae), Labcorp).

NM_006019.4(TCIRG1):c.1118del (p.Gly373fs)

Gene: TCIRG1 (T cell immune regulator 1, ATPase H+ transporting V0 subunit a3; plus strand). Cytogenetic location: 11q13.2.
Variant type: Deletion.
Coding change: c.1118del on transcript NM_006019.4 (MANE Select); coding-DNA position 1118, one base deleted (G; older notation c.1118delG).
Protein change: p.Gly373fs; shifts the reading frame from glycine 373.
Molecular consequence: frameshift variant.
Genome position (GRCh38, 1-based): chr11:68,045,055, G deleted; the last of 3 consecutive G bases (chr11:68,045,053-68,045,055); deleting any one gives the same sequence. VCF-style (leftmost placement, unchanged base first): chr11-68045052-AG-A. GRCh37 (hg19) VCF-style: chr11-67812519-AG-A.
Other names: c.1118delG (NM_006019.4); c.1118del (NM_006019.3); c.224del, p.Gly75fs (NM_001351059.2); c.470del, p.Gly157fs (NM_006053.4); short protein forms G157fs, G75fs, G373fs.
Identifiers: ClinVar variation 552720 (VCV000552720.17), dbSNP rs1269558164, ClinGen allele CA599932047.
Genomic context (GRCh38, chr11:68,045,052, plus strand): 5'-TCCCCTGCCGGGACATGCCCCCCACACTCATCCGCACCAACCGCTTCACGGCCAGCTTCC[AG>A]GGCATCGTGGATGCCTACGGCGTGGGCCGCTACCAGGAGGTCAACCCCGGTGAGAGCCAC-3'